The following is an entry in ClinVar:

NM_152672.6(SLC51A):c.887-10T>C

Gene: SLC51A (solute carrier family 51 member A; plus strand). Cytogenetic location: 3q29.
Variant type: single nucleotide variant.
Coding change: c.887-10T>C on transcript NM_152672.6 (MANE Select); 10 bases into the intron before coding-DNA position 887, T replaced by C.
Molecular consequence: intron variant.
Genome position (GRCh38, 1-based): chr3:196,233,053, T>C. VCF-style: chr3-196233053-T-C. GRCh37 (hg19) VCF-style: chr3-195959924-T-C.
Identifiers: ClinVar variation 3060665 (VCV003060665.2), dbSNP rs1476331, ClinGen allele CA2779276.

ClinVar aggregate classification (germline): Benign (0 of 4 stars; one submission).

Conditions:
SLC51A-related disorder. Also called: SLC51A-related condition.

Allele frequency attached by ClinVar (database versions not stated): ESP Exome Variant Server 0.46086; gnomAD exomes 0.46981; gnomAD 0.48262; TOPMed 0.49446; ExAC 0.50697; 1000 Genomes Project 30x 0.56480; 1000 Genomes Project 0.57388.
gnomAD v4.1: 759,403 of 1,612,490 alleles (47%); highest among the groups gnomAD compares: East Asian, 88%; 184,329 homozygotes.

Submission:

PreventionGenetics, part of Exact Sciences
Classification: Benign for SLC51A-related condition. Last evaluated: 2023-06-22. Review status: no assertion criteria provided. Collection method: clinical testing. Allele origin: germline.
Comment: This variant is classified as benign based on ACMG/AMP sequence variant interpretation guidelines (Richards et al. 2015 PMID: 25741868, with internal and published modifications).